The following is an entry in ClinVar:

ClinVar aggregate classification (germline): Uncertain significance (1 of 4 stars; one submission).

Conditions:
Cardiac arrhythmia. Also called: Arrhythmia; Cardiac rhythm disease. Identifiers: MedGen C0003811, MONDO:0007263, HP:0011675.

Submission:

Labcorp Genetics (formerly Invitae), Labcorp
Classification: Uncertain significance for Cardiac arrhythmia. Last evaluated: 2020-09-24. Review status: criteria provided, single submitter. Criteria: Invitae Variant Classification Sherloc (09022015). Collection method: clinical testing. Allele origin: germline.
Comment: This sequence change replaces leucine with isoleucine at codon 18 of the RANGRF protein (p.Leu18Ile). The leucine residue is highly conserved and there is a small physicochemical difference between leucine and isoleucine. In summary, the available evidence is currently insufficient to determine the role of this variant in disease. Therefore, it has been classified as a Variant of Uncertain Significance. Algorithms developed to predict the effect of missense changes on protein structure and function (SIFT, PolyPhen-2, Align-GVGD) all suggest that this variant is likely to be tolerated, but these predictions have not been confirmed by published functional studies and their clinical significance is uncertain. This variant has not been reported in the literature in individuals with RANGRF-related conditions. This variant is present in population databases (rs150856064, ExAC 0.002%).

NM_016492.5(RANGRF):c.52C>A (p.Leu18Ile)

Genes: RANGRF (RAN guanine nucleotide release factor; plus strand), SLC25A35 (solute carrier family 25 member 35; minus strand). Cytogenetic location: 17p13.1.
Variant type: single nucleotide variant.
Coding change: c.52C>A on transcript NM_016492.5 (MANE Select); coding-DNA position 52, C replaced by A.
Protein change: p.Leu18Ile; replaces leucine 18 with isoleucine.
Molecular consequence: missense variant. On other transcripts: 3 prime UTR variant (1), non-coding transcript variant (1), intron variant (1).
Genome position (GRCh38, 1-based): chr17:8,288,840, C>A. VCF-style: chr17-8288840-C-A. GRCh37 (hg19) VCF-style: chr17-8192158-C-A.
Other names: c.*776G>T (NM_201520.3); c.*43-408G>T (NM_001320871.2); c.52C>A, p.Leu18Ile (NM_001177801.2, NM_001177802.2, NM_001330127.2); short protein forms L18I.
Identifiers: ClinVar variation 1022188 (VCV001022188.10), dbSNP rs150856064, ClinGen allele CA8374288.